The following is an entry in ClinVar:

NM_001134407.3(GRIN2A):c.2663C>T (p.Thr888Met)

Gene: GRIN2A (glutamate ionotropic receptor NMDA type subunit 2A; minus strand). Cytogenetic location: 16p13.2.
Variant type: single nucleotide variant.
Coding change: c.2663C>T on transcript NM_001134407.3 (MANE Select); coding-DNA position 2663, C replaced by T.
Protein change: p.Thr888Met; replaces threonine 888 with methionine.
Molecular consequence: missense variant.
Genome position (GRCh38, 1-based): chr16:9,764,881, G>A on the plus strand (C>T on the coding strand, the complement: GRIN2A is on the minus strand). VCF-style: chr16-9764881-G-A. GRCh37 (hg19) VCF-style: chr16-9858738-G-A.
Other names: c.2663C>T, p.Thr888Met (NM_000833.5, NM_001134408.2); short protein forms T888M.
Identifiers: ClinVar variation 952821 (VCV000952821.15), dbSNP rs149698593, ClinGen allele CA7896445.
Genomic context (GRCh38, chr16:9,764,881, plus strand): 5'-GACATGCTGGAAATGTTTTTGGCTGACCGGAGGAGTTTTAACATGTTGCTCTGGGATCCC[G>A]TCAGATTGAAGTCTGGAGACTTCTTCTTTTCTTCAATGTGCACTCCATGAATGCAGCTGT-3'
Protein context (NP_001127879.1, residues 878-898): EKKKSPDFNL[Thr888Met]GSQSNMLKLL

ClinVar aggregate classification (germline): Likely benign. Review status: criteria provided, multiple submitters, no conflicts (2 of 4 stars). 3 submissions from 3 submitters: Likely benign (3). Last evaluated 2026-04-01.

Conditions:
Landau-Kleffner syndrome (FESD). Also called: EPILEPSY, FOCAL, WITH SPEECH DISORDER AND WITH OR WITHOUT MENTAL RETARDATION; APHASIA, ACQUIRED, WITH EPILEPSY. Identifiers: Orphanet 1945, Orphanet 725, Orphanet 98818, MedGen C0282512, MONDO:0009509, OMIM 245570.

Allele frequency attached by ClinVar (database versions not stated): TOPMed 0.00004; ExAC 0.00003; gnomAD exomes 0.00004; ESP Exome Variant Server 0.00015; 1000 Genomes Project 30x 0.00016.
gnomAD v4.1: 50 of 1,614,096 alleles (0.0031%); highest among the groups gnomAD compares: Non-Finnish European, 0.0037%; no homozygotes.

Submissions (3):

CeGaT Center for Human Genetics Tuebingen
Classification: Likely benign. Last evaluated: 2026-04-01. Review status: criteria provided, single submitter. Criteria: CeGaT Center For Human Genetics Tuebingen Variant Classification Criteria Version 2. Collection method: clinical testing. Allele origin: germline. Affected: yes. Observed: 1 variant allele.
Comment: GRIN2A: BS1

Labcorp Genetics (formerly Invitae), Labcorp
Classification: Likely benign for Landau-Kleffner syndrome. Last evaluated: 2025-07-14. Review status: criteria provided, single submitter. Criteria: Invitae Variant Classification Sherloc (09022015). Collection method: clinical testing. Allele origin: germline.

GeneDx
Classification: Likely benign. Last evaluated: 2019-12-11. Review status: criteria provided, single submitter. Criteria: GeneDx Variant Classification Process June 2021. Collection method: clinical testing. Allele origin: germline. Affected: yes.
Comment: This variant is associated with the following publications: (PMID: 29778030)